The following is an entry in ClinVar:

NM_002241.5(KCNJ10):c.304C>A (p.Pro102Thr)

Gene: KCNJ10 (potassium inwardly rectifying channel subfamily J member 10; minus strand). Cytogenetic location: 1q23.2.
Variant type: single nucleotide variant.
Coding change: c.304C>A on transcript NM_002241.5 (MANE Select); coding-DNA position 304, C replaced by A.
Protein change: p.Pro102Thr; replaces proline 102 with threonine.
Molecular consequence: missense variant.
Genome position (GRCh38, 1-based): chr1:160,042,229, G>T on the plus strand (C>A on the coding strand, the complement: KCNJ10 is on the minus strand). VCF-style: chr1-160042229-G-T. GRCh37 (hg19) VCF-style: chr1-160012019-G-T.
Other names: short protein forms P102T.
Identifiers: ClinVar variation 951016 (VCV000951016.10), dbSNP rs1424578559, ClinGen allele CA343228766.

ClinVar aggregate classification (germline): Uncertain significance (1 of 4 stars; one submission).

Conditions:
EAST syndrome (SESAMES). Also called: SEIZURES, SENSORINEURAL DEAFNESS, ATAXIA, IMPAIRED INTELLECTUAL DEVELOPMENT, AND ELECTROLYTE IMBALANCE. Identifiers: Orphanet 199343, MedGen C2748572, MONDO:0013005, OMIM 612780.

Allele frequency attached by ClinVar (database versions not stated): gnomAD exomes below 0.00001; gnomAD 0.00001; TOPMed 0.00001.
gnomAD v4.1: 6 of 1,613,696 alleles (0.00037%); highest among the groups gnomAD compares: African/African-American, 0.0013%; no homozygotes.

Submission:

Labcorp Genetics (formerly Invitae), Labcorp
Classification: Uncertain significance for EAST syndrome. Last evaluated: 2022-08-24. Review status: criteria provided, single submitter. Criteria: Invitae Variant Classification Sherloc (09022015). Collection method: clinical testing. Allele origin: germline.
Comment: In summary, the available evidence is currently insufficient to determine the role of this variant in disease. Therefore, it has been classified as a Variant of Uncertain Significance. Algorithms developed to predict the effect of missense changes on protein structure and function (SIFT, PolyPhen-2, Align-GVGD) all suggest that this variant is likely to be tolerated. ClinVar contains an entry for this variant (Variation ID: 951016). This variant has not been reported in the literature in individuals affected with KCNJ10-related conditions. This variant is present in population databases (no rsID available, gnomAD 0.0009%). This sequence change replaces proline, which is neutral and non-polar, with threonine, which is neutral and polar, at codon 102 of the KCNJ10 protein (p.Pro102Thr).